The following is an entry in ClinVar:

NM_052845.4(MMAB):c.734_735del (p.Ala245fs)

Gene: MMAB (metabolism of cobalamin associated B; minus strand). Cytogenetic location: 12q24.11.
Variant type: Deletion.
Coding change: c.734_735del on transcript NM_052845.4 (MANE Select); coding-DNA positions 734 to 735, 2 bases deleted (CC; older notation c.734_735delCC).
Protein change: p.Ala245fs; shifts the reading frame from alanine 245.
Molecular consequence: frameshift variant. On other transcripts: non-coding transcript variant (1).
Genome position (GRCh38, 1-based): chr12:109,557,046-109,557,047, GG deleted on the plus strand (CC on the coding strand, the reverse complement: MMAB is on the minus strand). VCF-style (leftmost placement, unchanged base first): chr12-109557045-CGG-C. GRCh37 (hg19) VCF-style: chr12-109994850-CGG-C.
Other names: short protein forms A245fs.
Identifiers: ClinVar variation 5004702 (VCV005004702.1).

ClinVar aggregate classification (germline): Uncertain significance (1 of 4 stars; one submission).

Conditions:
Methylmalonic aciduria, cblB type (MACB). Also called: Vitamin B12-responsive methylmalonic acidemia type cblB; METHYLMALONIC ACIDURIA, VITAMIN B12-RESPONSIVE, DUE TO DEFECT IN SYNTHESIS OF ADENOSYLCOBALAMIN, cblB TYPE; Methylmalonic acidemia cblB type. Identifiers: Orphanet 28, Orphanet 79311, MedGen C1855102, MONDO:0009614, OMIM 251110.

Submission:

Myriad Genetics, Inc.
Classification: Uncertain significance for Methylmalonic aciduria, cblB type. Last evaluated: 2026-05-29. Review status: criteria provided, single submitter. Criteria: Myriad Autosomal Dominant, Autosomal Recessive and X-Linked Classification Criteria (2023). Collection method: clinical testing. Allele origin: unknown.
Comment: NM_052845.3(MMAB):c.734_735delCC(A245Gfs*3) is a frameshift variant classified as a variant of uncertain significance in the context of methylmalonic acidemia, cblB type. A245Gfs*3 has not been observed in cases with relevant disease. Relevant functional assessments of this variant are not available in the literature. A245Gfs*3 has not been observed in referenced population frequency databases. In summary, there is insufficient evidence to classify NM_052845.3(MMAB):c.734_735delCC(A245Gfs*3) as pathogenic or benign. Please note: this variant was assessed in the context of healthy population screening.